The following is an entry in ClinVar:

ClinVar aggregate classification (germline): Uncertain significance (1 of 4 stars; one submission).

Allele frequency attached by ClinVar (database versions not stated): ExAC 0.00001; gnomAD 0.00001; TOPMed 0.00001; gnomAD exomes 0.00002.
gnomAD v4.1: 12 of 1,613,938 alleles (0.00074%); highest among the groups gnomAD compares: Admixed American, 0.0033%; 1 homozygote.

Submission:

Labcorp Genetics (formerly Invitae), Labcorp
Classification: Uncertain significance. Last evaluated: 2022-04-11. Review status: criteria provided, single submitter. Criteria: Invitae Variant Classification Sherloc (09022015). Collection method: clinical testing. Allele origin: germline.
Comment: This variant has not been reported in the literature in individuals affected with HMCN1-related conditions. Algorithms developed to predict the effect of missense changes on protein structure and function are either unavailable or do not agree on the potential impact of this missense change (SIFT: "Deleterious"; PolyPhen-2: "Probably Damaging"; Align-GVGD: "Class C0"). In summary, the available evidence is currently insufficient to determine the role of this variant in disease. Therefore, it has been classified as a Variant of Uncertain Significance. This variant is present in population databases (rs765103604, gnomAD 0.003%). This sequence change replaces arginine, which is basic and polar, with tryptophan, which is neutral and slightly polar, at codon 4837 of the HMCN1 protein (p.Arg4837Trp).

NM_031935.3(HMCN1):c.14509C>T (p.Arg4837Trp)

Gene: HMCN1 (hemicentin 1; plus strand). Cytogenetic location: 1q31.1.
Variant type: single nucleotide variant.
Coding change: c.14509C>T on transcript NM_031935.3 (MANE Select); coding-DNA position 14509, C replaced by T.
Protein change: p.Arg4837Trp; replaces arginine 4837 with tryptophan.
Molecular consequence: missense variant.
Genome position (GRCh38, 1-based): chr1:186,145,824, C>T. VCF-style: chr1-186145824-C-T. GRCh37 (hg19) VCF-style: chr1-186114956-C-T.
Other names: short protein forms R4837W.
Identifiers: ClinVar variation 1924207 (VCV001924207.5), dbSNP rs765103604, ClinGen allele CA1294973.
Genomic context (GRCh38, chr1:186,145,824, plus strand): 5'-TGGGGAAGCTGGCATAGTTGGAGCCAGTGCTCTGCCTCCTGTGGAGGAGGTGAAAAGACT[C>T]GGAAGCGGCTGTGCGACCATCCTGTGCCAGTTAAAGGTGGCCGTCCCTGTCCCGGAGACA-3'
Protein context (NP_114141.2, residues 4827-4847): SASCGGGEKT[Arg4837Trp]KRLCDHPVPV